The following is an entry in ClinVar:

NM_012108.4(STAP1):c.453G>C (p.Glu151Asp)

Gene: STAP1 (signal transducing adaptor family member 1; plus strand). Cytogenetic location: 4q13.2.
Variant type: single nucleotide variant.
Coding change: c.453G>C on transcript NM_012108.4 (MANE Select); coding-DNA position 453, G replaced by C.
Protein change: p.Glu151Asp; replaces glutamic acid 151 with aspartic acid.
Molecular consequence: missense variant.
Genome position (GRCh38, 1-based): chr4:67,581,394, G>C. VCF-style: chr4-67581394-G-C. GRCh37 (hg19) VCF-style: chr4-68447112-G-C.
Other names: c.453G>C, p.Glu151Asp (NM_001317769.2); short protein forms E151D.
Identifiers: ClinVar variation 2497041 (VCV002497041.3), dbSNP rs946785426, ClinGen allele CA98655401.

ClinVar aggregate classification (germline): Uncertain significance (1 of 4 stars; one submission).

Allele frequency attached by ClinVar (database versions not stated): gnomAD exomes below 0.00001; TOPMed 0.00002.
gnomAD v4.1: 1 of 1,614,114 alleles (0.000062%); highest among the groups gnomAD compares: African/African-American, 0.0013%; no homozygotes.

Submission:

Ambry Genetics
Classification: Uncertain significance. Last evaluated: 2025-03-23. Review status: criteria provided, single submitter. Criteria: Ambry Variant Classification Scheme 2023. Collection method: clinical testing. Allele origin: germline.
Comment: The p.E151D variant (also known as c.453G>C), located in coding exon 5 of the STAP1 gene, results from a G to C substitution at nucleotide position 453. The glutamic acid at codon 151 is replaced by aspartic acid, an amino acid with highly similar properties. This amino acid position is conserved. In addition, this alteration is predicted to be tolerated by in silico analysis. Since supporting evidence is limited at this time, the clinical significance of this alteration remains unclear.